The following is an entry in ClinVar:

ClinVar aggregate classification (germline): Uncertain significance (1 of 4 stars; one submission).

Conditions:
NR0B2-related disorder. Also called: NR0B2-related condition.

gnomAD v4.1: 12 of 1,614,006 alleles (0.00074%); highest among the groups gnomAD compares: Non-Finnish European, 0.001%; no homozygotes.

Submission:

PreventionGenetics, part of Exact Sciences
Classification: Uncertain significance for NR0B2-related condition. Last evaluated: 2026-07-07. Review status: criteria provided, single submitter. Criteria: ACMG Guidelines, 2015. Collection method: clinical testing. Allele origin: germline.
Comment: The NR0B2 c.362T>C variant is predicted to result in the amino acid substitution p.Ile121Thr. To our knowledge, this variant has not been reported in the literature. This variant is reported in 0.0018% of alleles in individuals of European (Non-Finnish) descent in gnomAD. At this time, the clinical significance of this variant is uncertain due to the absence of conclusive functional and genetic evidence.

NM_021969.3(NR0B2):c.362T>C (p.Ile121Thr)

Genes: NR0B2 (nuclear receptor subfamily 0 group B member 2; minus strand), NUDC (nuclear distribution C, dynein complex regulator; plus strand). Cytogenetic location: 1p36.11.
Variant type: single nucleotide variant.
Coding change: c.362T>C on transcript NM_021969.3 (MANE Select); coding-DNA position 362, T replaced by C.
Protein change: p.Ile121Thr; replaces isoleucine 121 with threonine.
Molecular consequence: missense variant.
Genome position (GRCh38, 1-based): chr1:26,913,579, A>G on the plus strand (T>C on the coding strand, the complement: NR0B2 is on the minus strand). VCF-style: chr1-26913579-A-G. GRCh37 (hg19) VCF-style: chr1-27240070-A-G.
Other names: short protein forms I121T.
Identifiers: ClinVar variation 4988949 (VCV004988949.1).